The following is an entry in ClinVar:

ClinVar aggregate classification (germline): Uncertain significance (1 of 4 stars; one submission).

Allele frequency attached by ClinVar (database versions not stated): ExAC 0.00001.
gnomAD v4.1: 1 of 1,614,066 alleles (0.000062%); highest among the groups gnomAD compares: Non-Finnish European, 0.000085%; no homozygotes.

Submission:

Labcorp Genetics (formerly Invitae), Labcorp
Classification: Uncertain significance. Last evaluated: 2023-05-19. Review status: criteria provided, single submitter. Criteria: Invitae Variant Classification Sherloc (09022015). Collection method: clinical testing. Allele origin: germline.
Comment: This variant has not been reported in the literature in individuals affected with NPAT-related conditions. This sequence change replaces aspartic acid, which is acidic and polar, with valine, which is neutral and non-polar, at codon 627 of the NPAT protein (p.Asp627Val). This variant is present in population databases (rs766111971, gnomAD 0.0009%). An algorithm developed to predict the effect of missense changes on protein structure and function (PolyPhen-2) suggests that this variant is likely to be tolerated. In summary, the available evidence is currently insufficient to determine the role of this variant in disease. Therefore, it has been classified as a Variant of Uncertain Significance.

NM_002519.3(NPAT):c.1880A>T (p.Asp627Val)

Gene: NPAT (nuclear protein, coactivator of histone transcription; minus strand). Cytogenetic location: 11q22.3.
Variant type: single nucleotide variant.
Coding change: c.1880A>T on transcript NM_002519.3 (MANE Select); coding-DNA position 1880, A replaced by T.
Protein change: p.Asp627Val; replaces aspartic acid 627 with valine.
Molecular consequence: missense variant.
Genome position (GRCh38, 1-based): chr11:108,173,104, T>A on the plus strand (A>T on the coding strand, the complement: NPAT is on the minus strand). VCF-style: chr11-108173104-T-A. GRCh37 (hg19) VCF-style: chr11-108043831-T-A.
Other names: c.1880A>T, p.Asp627Val (NM_001321307.1); short protein forms D627V.
Identifiers: ClinVar variation 2866017 (VCV002866017.3), dbSNP rs766111971, ClinGen allele CA6263927.